The following is an entry in ClinVar:

NM_001042492.3(NF1):c.1924C>T (p.Gln642Ter)

Gene: NF1 (neurofibromin 1; plus strand). Cytogenetic location: 17q11.2.
Variant type: single nucleotide variant.
Coding change: c.1924C>T on transcript NM_001042492.3 (MANE Select); coding-DNA position 1924, C replaced by T.
Protein change: p.Gln642Ter; replaces glutamine 642 with a stop codon.
Molecular consequence: nonsense.
Genome position (GRCh38, 1-based): chr17:31,225,173, C>T. VCF-style: chr17-31225173-C-T. GRCh37 (hg19) VCF-style: chr17-29552191-C-T.
Other names: c.1924C>T, p.Gln642Ter (NM_000267.4); short protein forms Q642*.
Identifiers: ClinVar variation 952282 (VCV000952282.12), dbSNP rs2066991605, ClinGen allele CA399005339.

ClinVar aggregate classification (germline): Pathogenic. Review status: criteria provided, multiple submitters, no conflicts (2 of 4 stars). 5 submissions from 5 submitters: Pathogenic (4). 1 of the submissions does not count toward it. Last evaluated 2026-06-24.

Conditions:
Hereditary cancer-predisposing syndrome. Also called: Neoplastic Syndromes, Hereditary; Hereditary Cancer Syndrome; Tumor predisposition; Hereditary neoplastic syndrome. Identifiers: Orphanet 140162, MedGen C0027672, MeSH D009386, MONDO:0015356.
Cardiovascular phenotype. Identifiers: MedGen CN230736.
Neurofibromatosis, type 1 (NF1). Also called: Peripheral type neurofibromatosis; VON RECKLINGHAUSEN DISEASE; Neurofibromatosis, type I; NEUROFIBROMATOSIS, TYPE I, SOMATIC. Identifiers: Orphanet 636, MedGen C0027831, MONDO:0018975, OMIM 162200. Disease mechanism: loss of function.

Submissions (5):

Ambry Genetics
Classification: Pathogenic for Cardiovascular phenotype; Hereditary cancer-predisposing syndrome. Last evaluated: 2026-06-24. Review status: criteria provided, single submitter. Criteria: Ambry Variant Classification Scheme 2023. Collection method: clinical testing. Allele origin: germline.
Comment: The p.Q642* pathogenic mutation (also known as c.1924C>T), located in coding exon 17 of the NF1 gene, results from a C to T substitution at nucleotide position 1924. This changes the amino acid from a glutamine to a stop codon within coding exon 17. This variant was reported in individual(s) with features consistent with neurofibromatosis type 1 (NF1) (Tsipi M et al. J Neurol Sci, 2018 Dec;395:95-105; Lin G et al. J Pediatr Genet, 2023 Jun;12:135-140). This variant is considered to be rare based on population cohorts in the Genome Aggregation Database (gnomAD). This alteration is expected to result in loss of function by premature protein truncation or nonsense-mediated mRNA decay. As such, this alteration is interpreted as a disease-causing mutation.

Labcorp Genetics (formerly Invitae), Labcorp
Classification: Pathogenic for Neurofibromatosis, type 1. Last evaluated: 2025-10-16. Review status: criteria provided, single submitter. Criteria: Invitae Variant Classification Sherloc (09022015). Collection method: clinical testing. Allele origin: germline.
Comment: This sequence change creates a premature translational stop signal (p.Gln642*) in the NF1 gene. It is expected to result in an absent or disrupted protein product. Loss-of-function variants in NF1 are known to be pathogenic (PMID: 10712197, 23913538). This variant is not present in population databases (gnomAD no frequency). This premature translational stop signal has been observed in individual(s) with clinical features of neurofibromatosis type 1 (PMID: 29685074, 30308447). Invitae Evidence Modeling of clinical and family history, age, sex, and reported ancestry of multiple individuals with this NF1 variant has been performed. This variant is expected to be pathogenic with a positive predictive value of at least 99%. This is a validated machine learning model that incorporates the clinical features of 1,785,918 individuals referred to our laboratory for NF1 testing. ClinVar contains an entry for this variant (Variation ID: 952282). Algorithms developed to predict the effect of sequence changes on RNA splicing suggest that this variant may disrupt the consensus splice site. For these reasons, this variant has been classified as Pathogenic.

Genome-Nilou Lab
Classification: Pathogenic for Neurofibromatosis, type 1. Last evaluated: 2022-03-15. Review status: criteria provided, single submitter. Criteria: ACMG Guidelines, 2015. Collection method: clinical testing. Allele origin: germline. Affected: no.

Genome Diagnostics Laboratory, The Hospital for Sick Children
Classification: Pathogenic for Neurofibromatosis, type 1. Last evaluated: 2020-10-26. Review status: criteria provided, single submitter. Criteria: ACMG Guidelines, 2015. Collection method: clinical testing. Allele origin: germline. Affected: yes.

Laboratory of Medical Genetics, National & Kapodistrian University of Athens
Classification: Pathogenic for Neurofibromatosis, type 1. Last evaluated: 2018-01-01. Review status: no assertion criteria provided. Collection method: clinical testing. Allele origin: germline. Affected: yes. Not counted in ClinVar's aggregate classification.

Literature cited by the submitters: PubMed 30308447 (cited by Ambry Genetics and Labcorp Genetics (formerly Invitae), Labcorp); PubMed 37090834 (cited by Ambry Genetics); PubMed 10712197 (cited by Labcorp Genetics (formerly Invitae), Labcorp); PubMed 23913538 (cited by Labcorp Genetics (formerly Invitae), Labcorp); PubMed 29685074 (cited by Labcorp Genetics (formerly Invitae), Labcorp).